The following is an entry in ClinVar:

ClinVar aggregate classification (germline): Pathogenic (1 of 4 stars; one submission).

Submission:

CeGaT Center for Human Genetics Tuebingen
Classification: Pathogenic. Last evaluated: 2025-11-01. Review status: criteria provided, single submitter. Criteria: CeGaT Center For Human Genetics Tuebingen Variant Classification Criteria Version 2. Collection method: clinical testing. Allele origin: germline. Affected: yes. Observed: 1 variant allele.
Comment: NSD1: PVS1, PM2

NM_022455.5(NSD1):c.1337C>G (p.Ser446Ter)

Gene: NSD1 (nuclear receptor binding SET domain protein 1; plus strand). Cytogenetic location: 5q35.3.
Variant type: single nucleotide variant.
Coding change: c.1337C>G on transcript NM_022455.5 (MANE Select); coding-DNA position 1337, C replaced by G.
Protein change: p.Ser446Ter; replaces serine 446 with a stop codon.
Molecular consequence: nonsense.
Genome position (GRCh38, 1-based): chr5:177,209,736, C>G. VCF-style: chr5-177209736-C-G. GRCh37 (hg19) VCF-style: chr5-176636737-C-G.
Other names: c.464C>G, p.Ser155Ter (NM_001365684.2, NM_001409306.1, NM_001409307.1 and 3 more transcripts); c.1337C>G, p.Ser446Ter (NM_001409301.1, NM_001409302.1, NM_001409303.1); c.917C>G, p.Ser306Ter (NM_001409304.1); c.584C>G, p.Ser195Ter (NM_001409305.1); short protein forms S155*, S195*, S306*, S446*.
Identifiers: ClinVar variation 4535294 (VCV004535294.6).